The following is an entry in ClinVar:

NM_001174089.2(SLC4A11):c.909del (p.Glu303fs)

Gene: SLC4A11 (solute carrier family 4 member 11; minus strand). Cytogenetic location: 20p13.
Variant type: Deletion.
Coding change: c.909del on transcript NM_001174089.2 (MANE Select); coding-DNA position 909, one base deleted (A; older notation c.909delA).
Protein change: p.Glu303fs; shifts the reading frame from glutamic acid 303.
Molecular consequence: frameshift variant. On other transcripts: non-coding transcript variant (3).
Genome position (GRCh38, 1-based): chr20:3,231,369, T deleted on the plus strand (A on the coding strand, the reverse complement: SLC4A11 is on the minus strand); the first of 2 consecutive T bases (chr20:3,231,369-3,231,370); deleting either gives the same sequence. VCF-style (leftmost placement, unchanged base first): chr20-3231368-GT-G. GRCh37 (hg19) VCF-style: chr20-3212014-GT-G.
Other names: c.1038del, p.Glu346fs (NM_001174090.2, NM_001400280.1); c.909del, p.Glu303fs (NM_001363745.2); c.852del, p.Glu284fs (NM_001400277.1, NM_001400278.1, NM_001400279.1); c.957del, p.Glu319fs (NM_032034.4); short protein forms E284fs, E303fs, E319fs, E346fs.
Identifiers: ClinVar variation 4816317 (VCV004816317.1).

ClinVar aggregate classification (germline): Likely pathogenic (1 of 4 stars; one submission).

Conditions:
Corneal dystrophy-perceptive deafness syndrome (CDPD). Also called: CORNEAL DYSTROPHY AND SENSORINEURAL DEAFNESS; HARBOYAN SYNDROME. Identifiers: Orphanet 1490, MedGen C1857572, MONDO:0009015, OMIM 217400.

Submission:

Natera, Inc.
Classification: Likely pathogenic for Corneal dystrophy-perceptive deafness syndrome. Last evaluated: 2025-12-01. Review status: criteria provided, single submitter. Criteria: Natera Variant Classification Schema (03/2026). Collection method: clinical testing. Allele origin: germline.
Comment: The c.957delA variant in SLC4A11 is a frameshift variant predicted to shift the reading frame beginning at codon 319 and leads to a stop codon 93 codons downstream. This variant is expected to result in nonsense mediated decay, truncation, or a dysfunctional protein product. This variant is rare in the general population with a frequency below the threshold expected for the associated phenotype(s). Given the available evidence, this variant is classified as Likely Pathogenic.